The following is an entry in ClinVar:

NM_002661.5(PLCG2):c.2418-3C>T

Gene: PLCG2 (phospholipase C gamma 2; plus strand). Cytogenetic location: 16q23.3.
Variant type: single nucleotide variant.
Coding change: c.2418-3C>T on transcript NM_002661.5 (MANE Select); 3 bases into the intron before coding-DNA position 2418, C replaced by T.
Molecular consequence: intron variant.
Genome position (GRCh38, 1-based): chr16:81,927,079, C>T. VCF-style: chr16-81927079-C-T. GRCh37 (hg19) VCF-style: chr16-81960684-C-T.
Identifiers: ClinVar variation 1477581 (VCV001477581.6), dbSNP rs1278551242, ClinGen allele CA623770980.

ClinVar aggregate classification (germline): Uncertain significance (1 of 4 stars; one submission).

Conditions:
Familial cold autoinflammatory syndrome 3 (FCAS3). Also called: FAMILIAL ATYPICAL COLD URTICARIA; ANTIBODY DEFICIENCY AND IMMUNE DYSREGULATION, PLCG2-ASSOCIATED. Identifiers: Orphanet 300359, MedGen C3280914, MONDO:0013766, OMIM 614468.

Allele frequency attached by ClinVar (database versions not stated): gnomAD exomes below 0.00001; TOPMed below 0.00001; gnomAD 0.00001.
gnomAD v4.1: 5 of 1,603,708 alleles (0.00031%); highest among the groups gnomAD compares: Non-Finnish European, 0.00043%; no homozygotes.

Submission:

Labcorp Genetics (formerly Invitae), Labcorp
Classification: Uncertain significance for Familial cold autoinflammatory syndrome 3. Last evaluated: 2023-12-19. Review status: criteria provided, single submitter. Criteria: Invitae Variant Classification Sherloc (09022015). Collection method: clinical testing. Allele origin: germline.
Comment: This sequence change falls in intron 22 of the PLCG2 gene. It does not directly change the encoded amino acid sequence of the PLCG2 protein. It affects a nucleotide within the consensus splice site. The frequency data for this variant in the population databases is considered unreliable, as metrics indicate poor data quality at this position in the gnomAD database. This variant has not been reported in the literature in individuals affected with PLCG2-related conditions. ClinVar contains an entry for this variant (Variation ID: 1477581). Variants that disrupt the consensus splice site are a relatively common cause of aberrant splicing (PMID: 17576681, 9536098). Algorithms developed to predict the effect of sequence changes on RNA splicing suggest that this variant is not likely to affect RNA splicing. In summary, the available evidence is currently insufficient to determine the role of this variant in disease. Therefore, it has been classified as a Variant of Uncertain Significance.

Literature cited by the submitters: PubMed 17576681; PubMed 9536098.